The following is an entry in ClinVar:

ClinVar aggregate classification (germline): Uncertain significance (1 of 4 stars; one submission).

Submission:

GeneDx
Classification: Uncertain significance. Last evaluated: 2025-03-04. Review status: criteria provided, single submitter. Criteria: GeneDx Variant Classification Process June 2021. Collection method: clinical testing. Allele origin: germline. Affected: yes.
Comment: Not observed at significant frequency in large population cohorts (gnomAD); In silico analysis supports that this missense variant has a deleterious effect on protein structure/function; Has not been previously published as pathogenic or benign to our knowledge

NM_005912.3(MC4R):c.722T>A (p.Met241Lys)

Gene: MC4R (melanocortin 4 receptor; minus strand). Cytogenetic location: 18q21.32.
Variant type: single nucleotide variant.
Coding change: c.722T>A on transcript NM_005912.3 (MANE Select); coding-DNA position 722, T replaced by A.
Protein change: p.Met241Lys; replaces methionine 241 with lysine.
Molecular consequence: missense variant.
Genome position (GRCh38, 1-based): chr18:60,371,628, A>T on the plus strand (T>A on the coding strand, the complement: MC4R is on the minus strand). VCF-style: chr18-60371628-A-T. GRCh37 (hg19) VCF-style: chr18-58038861-A-T.
Other names: short protein forms M241K.
Identifiers: ClinVar variation 4082863 (VCV004082863.1).